The following is an entry in ClinVar:

NM_001407.3(CELSR3):c.3912T>C (p.Ala1304=)

Gene: CELSR3 (cadherin EGF LAG seven-pass G-type receptor 3; minus strand). Cytogenetic location: 3p21.31.
Variant type: single nucleotide variant.
Coding change: c.3912T>C on transcript NM_001407.3 (MANE Select); coding-DNA position 3912, T replaced by C.
Protein change: p.Ala1304=; no amino-acid change (alanine 1304 retained).
Molecular consequence: synonymous variant.
Genome position (GRCh38, 1-based): chr3:48,657,185, A>G on the plus strand (T>C on the coding strand, the complement: CELSR3 is on the minus strand). VCF-style: chr3-48657185-A-G. GRCh37 (hg19) VCF-style: chr3-48694618-A-G.
Identifiers: ClinVar variation 3058341 (VCV003058341.2), dbSNP rs745321300, ClinGen allele CA2385045.

ClinVar aggregate classification (germline): Likely benign (0 of 4 stars; one submission).

Conditions:
CELSR3-related disorder. Also called: CELSR3-related condition.

Allele frequency attached by ClinVar (database versions not stated): gnomAD exomes below 0.00001; TOPMed below 0.00001; ExAC 0.00001; gnomAD 0.00001.
gnomAD v4.1: 8 of 1,613,816 alleles (0.0005%); highest among the groups gnomAD compares: Admixed American, 0.0033%; no homozygotes.

Submission:

PreventionGenetics, part of Exact Sciences
Classification: Likely benign for CELSR3-related condition. Last evaluated: 2019-03-28. Review status: no assertion criteria provided. Collection method: clinical testing. Allele origin: germline.
Comment: This variant is classified as likely benign based on ACMG/AMP sequence variant interpretation guidelines (Richards et al. 2015 PMID: 25741868, with internal and published modifications).